The following is an entry in ClinVar:

NM_001375567.1(FOCAD):c.3671A>G (p.Gln1224Arg)

Gene: FOCAD (focadhesin; plus strand). Cytogenetic location: 9p21.3.
Variant type: single nucleotide variant.
Coding change: c.3671A>G on transcript NM_001375567.1 (MANE Select); coding-DNA position 3671, A replaced by G.
Protein change: p.Gln1224Arg; replaces glutamine 1224 with arginine.
Molecular consequence: missense variant.
Genome position (GRCh38, 1-based): chr9:20,946,816, A>G. VCF-style: chr9-20946816-A-G. GRCh37 (hg19) VCF-style: chr9-20946815-A-G.
Other names: c.3566A>G, p.Gln1189Arg (NM_001375568.1, NM_001375570.1); c.3671A>G, p.Gln1224Arg (NM_017794.5); short protein forms Q1189R, Q1224R.
Identifiers: ClinVar variation 4799675 (VCV004799675.1).

ClinVar aggregate classification (germline): Uncertain significance (1 of 4 stars; one submission).

gnomAD v4.1: 7 of 1,613,586 alleles (0.00043%); highest among the groups gnomAD compares: East Asian, 0.0067%; no homozygotes.

Submission:

Labcorp Genetics (formerly Invitae), Labcorp
Classification: Uncertain significance. Last evaluated: 2025-11-03. Review status: criteria provided, single submitter. Criteria: Invitae Variant Classification Sherloc (09022015). Collection method: clinical testing. Allele origin: germline.
Comment: This sequence change replaces glutamine, which is neutral and polar, with arginine, which is basic and polar, at codon 1224 of the FOCAD protein (p.Gln1224Arg). This variant is present in population databases (rs543741324, gnomAD 0.006%). This variant has not been reported in the literature in individuals affected with FOCAD-related conditions. Experimental studies and prediction algorithms are not available or were not evaluated, and the functional significance of this variant is currently unknown. In summary, the available evidence is currently insufficient to determine the role of this variant in disease. Therefore, it has been classified as a Variant of Uncertain Significance.